The following is an entry in ClinVar:

NM_001278716.2(FBXL4):c.3G>A (p.Met1Ile)

Gene: FBXL4 (F-box and leucine rich repeat protein 4; minus strand). Cytogenetic location: 6q16.2.
Variant type: single nucleotide variant.
Coding change: c.3G>A on transcript NM_001278716.2 (MANE Select); coding-DNA position 3, G replaced by A.
Protein change: p.Met1Ile; changes the start codon (methionine 1).
Molecular consequence: missense variant, initiator codon variant. On other transcripts: non-coding transcript variant (2).
Genome position (GRCh38, 1-based): chr6:98,926,986, C>T on the plus strand (G>A on the coding strand, the complement: FBXL4 is on the minus strand). VCF-style: chr6-98926986-C-T. GRCh37 (hg19) VCF-style: chr6-99374862-C-T.
Other names: c.3G>A, p.Met1Ile (NM_012160.5); short protein forms M1I.
Identifiers: ClinVar variation 437507 (VCV000437507.2), dbSNP rs754532558, ClinGen allele CA3933772.

ClinVar aggregate classification (germline): Uncertain significance (1 of 4 stars; one submission).

Conditions:
Mitochondrial DNA depletion syndrome 13. Also called: FBXL4-Related Encephalomyopathic Mitochondrial DNA Depletion Syndrome; Mitochondrial DNA depletion syndrome 13 (encephalomyopathic type). Identifiers: Orphanet 369897, MedGen C3809592, MONDO:0014198, OMIM 615471.

Allele frequency attached by ClinVar (database versions not stated): gnomAD exomes below 0.00001; ExAC 0.00001; gnomAD 0.00001.

Submission:

Wong Mito Lab, Molecular and Human Genetics, Baylor College of Medicine
Classification: Uncertain significance for Mitochondrial DNA depletion syndrome 13. Last evaluated: 2017-08-10. Review status: criteria provided, single submitter. Criteria: ACMG Guidelines, 2015. Collection method: reference population. Allele origin: germline.
Comment: The NM_012160.4:c.3G>A () [GRCH38: NC_000006.12:g.98926986C>T] variant in FBXL4 gene is interpretated to be a Uncertain Significance - Insufficient Evidence based on ACMG guidelines (PMID: 25741868). This variant meets one or more of the following evidence codes reported in the ACMG-guideline. PM2:This variant is absent in key population databases. Based on this evidence code ClinGen Pathogenicity Calculator (PMID:28081714) suggested that the variant is Uncertain Significance - Insufficient Evidence.